The following is an entry in ClinVar:

ClinVar aggregate classification (germline): Uncertain significance (1 of 4 stars; one submission).

Submission:

GeneDx
Classification: Uncertain significance. Last evaluated: 2021-04-29. Review status: criteria provided, single submitter. Criteria: GeneDx Variant Classification Process June 2021. Collection method: clinical testing. Allele origin: germline. Affected: yes.
Comment: Not observed in large population cohorts (Lek et al., 2016); In silico analysis supports that this missense variant has a deleterious effect on protein structure/function; Has not been previously published as pathogenic or benign to our knowledge

NM_000286.3(PEX12):c.1022T>A (p.Ile341Asn)

Gene: PEX12 (peroxisomal biogenesis factor 12; minus strand). Cytogenetic location: 17q12.
Variant type: single nucleotide variant.
Coding change: c.1022T>A on transcript NM_000286.3 (MANE Select); coding-DNA position 1022, T replaced by A.
Protein change: p.Ile341Asn; replaces isoleucine 341 with asparagine.
Molecular consequence: missense variant.
Genome position (GRCh38, 1-based): chr17:35,575,840, A>T on the plus strand (T>A on the coding strand, the complement: PEX12 is on the minus strand). VCF-style: chr17-35575840-A-T. GRCh37 (hg19) VCF-style: chr17-33902859-A-T.
Other names: short protein forms I341N.
Identifiers: ClinVar variation 1321526 (VCV001321526.2), dbSNP rs2142228755, ClinGen allele CA399136878.